The following is an entry in ClinVar:

ClinVar aggregate classification (germline): Uncertain significance (1 of 4 stars; one submission).

gnomAD v4.1: 6 of 1,613,328 alleles (0.00037%); highest among the groups gnomAD compares: African/African-American, 0.0027%; no homozygotes.

Submission:

CeGaT Center for Human Genetics Tuebingen
Classification: Uncertain significance. Last evaluated: 2024-07-01. Review status: criteria provided, single submitter. Criteria: CeGaT Center For Human Genetics Tuebingen Variant Classification Criteria Version 2. Collection method: clinical testing. Allele origin: germline. Affected: yes. Observed: 1 variant allele.
Comment: ESPN: PM2

NM_031475.3(ESPN):c.343G>C (p.Gly115Arg)

Gene: ESPN (espin; plus strand). Cytogenetic location: 1p36.31.
Variant type: single nucleotide variant.
Coding change: c.343G>C on transcript NM_031475.3 (MANE Select); coding-DNA position 343, G replaced by C.
Protein change: p.Gly115Arg; replaces glycine 115 with arginine.
Molecular consequence: missense variant.
Genome position (GRCh38, 1-based): chr1:6,428,274, G>C. VCF-style: chr1-6428274-G-C. GRCh37 (hg19) VCF-style: chr1-6488334-G-C.
Other names: c.343G>C, p.Gly115Arg (NM_001367473.1, NM_001367474.1); short protein forms G115R.
Identifiers: ClinVar variation 3257049 (VCV003257049.17).